The following is an entry in ClinVar:

NM_006343.3(MERTK):c.1893C>G (p.Ile631Met)

Gene: MERTK (MER proto-oncogene, tyrosine kinase; plus strand). Cytogenetic location: 2q13.
Variant type: single nucleotide variant.
Coding change: c.1893C>G on transcript NM_006343.3 (MANE Select); coding-DNA position 1893, C replaced by G.
Protein change: p.Ile631Met; replaces isoleucine 631 with methionine.
Molecular consequence: missense variant.
Genome position (GRCh38, 1-based): chr2:112,008,408, C>G. VCF-style: chr2-112008408-C-G. GRCh37 (hg19) VCF-style: chr2-112765985-C-G.
Other names: short protein forms I631M.
Identifiers: ClinVar variation 2203135 (VCV002203135.2), dbSNP rs543947091, ClinGen allele CA348233157.

ClinVar aggregate classification (germline): Uncertain significance. Review status: criteria provided, multiple submitters, no conflicts (2 of 4 stars). 2 submissions from 2 submitters: Uncertain significance (2). Last evaluated 2022-09-07.

gnomAD v4.1: 2 of 1,613,904 alleles (0.00012%); highest among the groups gnomAD compares: East Asian, 0.0022%; no homozygotes.

Submissions (2):

Labcorp Genetics (formerly Invitae), Labcorp
Classification: Uncertain significance. Last evaluated: 2022-09-07. Review status: criteria provided, single submitter. Criteria: Invitae Variant Classification Sherloc (09022015). Collection method: clinical testing. Allele origin: germline.
Comment: This sequence change replaces isoleucine, which is neutral and non-polar, with methionine, which is neutral and non-polar, at codon 631 of the MERTK protein (p.Ile631Met). This variant is present in population databases (no rsID available, gnomAD 0.006%). This missense change has been observed in individual(s) with clinical features of MERTK-related conditions (PMID: 22261762). Algorithms developed to predict the effect of missense changes on protein structure and function are either unavailable or do not agree on the potential impact of this missense change (SIFT: "Deleterious"; PolyPhen-2: "Probably Damaging"; Align-GVGD: "Class C0"). In summary, the available evidence is currently insufficient to determine the role of this variant in disease. Therefore, it has been classified as a Variant of Uncertain Significance.

Blueprint Genetics
Classification: Uncertain significance. Last evaluated: 2019-11-26. Review status: criteria provided, single submitter. Criteria: ACMG Guidelines, 2015. Collection method: clinical testing. Allele origin: germline.

Literature cited by the submitters: PubMed 22261762 (cited by Labcorp Genetics (formerly Invitae), Labcorp).